The following is an entry in ClinVar:

ClinVar aggregate classification (germline): Uncertain significance. Review status: criteria provided, multiple submitters, no conflicts (2 of 4 stars). 2 submissions from 2 submitters: Uncertain significance (2). Last evaluated 2023-12-13.

Allele frequency attached by ClinVar (database versions not stated): gnomAD 0.00001; gnomAD exomes 0.00001; TOPMed 0.00001.
gnomAD v4.1: 12 of 1,537,718 alleles (0.00078%); highest among the groups gnomAD compares: African/African-American, 0.0014%; no homozygotes.

Submissions (2):

Women's Health and Genetics/Laboratory Corporation of America, LabCorp
Classification: Uncertain significance. Last evaluated: 2023-12-13. Review status: criteria provided, single submitter. Criteria: LabCorp Variant Classification Summary - May 2015. Collection method: clinical testing. Allele origin: germline.
Comment: Variant summary: MCCC2 c.116C>T (p.Ser39Phe) results in a non-conservative amino acid change in the encoded protein sequence. Five of five in-silico tools predict a damaging effect of the variant on protein function. The variant allele was found at a frequency of 7.5e-06 in 132718 control chromosomes. c.116C>T has been reported in the literature in at least one homozygous individual affected with Methylcrotonyl-CoA Carboxylase Deficiency (e.g. Grunert_2012). These data indicate that the variant may be associated with disease. At least one publication reports experimental evidence evaluating an impact on protein function. The most pronounced variant effect results in severely reduced protein levels and 30%-50% of normal enzyme activity in vitro (e.g. Grunert_2012). The following publication has been ascertained in the context of this evaluation (PMID: 22642865). No submitters have cited clinical-significance assessments for this variant to ClinVar after 2014. Based on the evidence outlined above, the variant was classified as VUS-possibly pathogenic.

Eurofins Ntd Llc (ga)
Classification: Uncertain significance. Last evaluated: 2012-11-19. Review status: criteria provided, single submitter. Criteria: EGL Classification Definitions 2015. Collection method: clinical testing. Allele origin: germline. Observed: 1 variant allele, 1 heterozygote.

Literature cited by the submitters: PubMed 22642865 (cited by Women's Health and Genetics/Laboratory Corporation of America, LabCorp).

NM_022132.5(MCCC2):c.116C>T (p.Ser39Phe)

Gene: MCCC2 (methylcrotonyl-CoA carboxylase subunit 2; plus strand). Cytogenetic location: 5q13.2.
Variant type: single nucleotide variant.
Coding change: c.116C>T on transcript NM_022132.5 (MANE Select); coding-DNA position 116, C replaced by T.
Protein change: p.Ser39Phe; replaces serine 39 with phenylalanine.
Molecular consequence: missense variant.
Genome position (GRCh38, 1-based): chr5:71,587,541, C>T. VCF-style: chr5-71587541-C-T. GRCh37 (hg19) VCF-style: chr5-70883368-C-T.
Other names: c.116C>T, p.Ser39Phe (NM_001363147.1); short protein forms S39F.
Identifiers: ClinVar variation 96028 (VCV000096028.7), dbSNP rs398124371, ClinGen allele CA285754.